The following is an entry in ClinVar:

ClinVar aggregate classification (germline): Conflicting classifications of pathogenicity. Review status: criteria provided, conflicting classifications (1 of 4 stars). 4 submissions from 4 submitters: Uncertain significance (3); Likely benign (1). Last evaluated 2025-09-10.

Conditions:
Joubert syndrome 17 (JBTS17). Identifiers: Orphanet 475, MedGen C3553264, MONDO:0013824, OMIM 614615.
Orofaciodigital syndrome type 6 (OFD6). Also called: OROFACIODIGITAL SYNDROME VI; OFDS VI; POLYDACTYLY, CLEFT LIP/PALATE OR LINGUAL LUMP, AND PSYCHOMOTOR RETARDATION; VARADI SYNDROME; VARADI-PAPP SYNDROME; Oral-facial-digital syndrome type 6. Identifiers: Orphanet 2754, MedGen C2745997, MONDO:0010176, OMIM 277170.

Allele frequency attached by ClinVar (database versions not stated): gnomAD 0.00001; gnomAD exomes 0.00004 and 0.00010; ExAC 0.00006; TOPMed 0.00006.
gnomAD v4.1: 28 of 1,613,824 alleles (0.0017%); highest among the groups gnomAD compares: Admixed American, 0.045%; no homozygotes.

Submissions (4):

Labcorp Genetics (formerly Invitae), Labcorp
Classification: Likely benign. Last evaluated: 2025-09-10. Review status: criteria provided, single submitter. Criteria: Invitae Variant Classification Sherloc (09022015). Collection method: clinical testing. Allele origin: germline.

Fulgent Genetics
Classification: Uncertain significance for Orofaciodigital syndrome type 6; Joubert syndrome 17. Last evaluated: 2024-05-06. Review status: criteria provided, single submitter. Criteria: ACMG Guidelines, 2015. Collection method: clinical testing. Allele origin: germline.

GeneDx
Classification: Uncertain significance. Last evaluated: 2023-04-10. Review status: criteria provided, single submitter. Criteria: GeneDx Variant Classification Process June 2021. Collection method: clinical testing. Allele origin: germline. Affected: yes.
Comment: In silico analysis supports that this missense variant does not alter protein structure/function; Has not been previously published as pathogenic or benign to our knowledge

Revvity Omics, Revvity
Classification: Uncertain significance. Last evaluated: 2021-09-16. Review status: criteria provided, single submitter. Criteria: ACMG Guidelines, 2015. Collection method: clinical testing. Allele origin: germline.

NM_001384732.1(CPLANE1):c.7760A>G (p.Glu2587Gly)

Gene: CPLANE1 (ciliogenesis and planar polarity effector complex subunit 1; minus strand). Cytogenetic location: 5p13.2.
Variant type: single nucleotide variant.
Coding change: c.7760A>G on transcript NM_001384732.1 (MANE Select); coding-DNA position 7760, A replaced by G.
Protein change: p.Glu2587Gly; replaces glutamic acid 2587 with glycine.
Molecular consequence: missense variant.
Genome position (GRCh38, 1-based): chr5:37,158,276, T>C on the plus strand (A>G on the coding strand, the complement: CPLANE1 is on the minus strand). VCF-style: chr5-37158276-T-C. GRCh37 (hg19) VCF-style: chr5-37158378-T-C.
Other names: c.7760A>G (NM_023073.3); c.7760A>G, p.Glu2587Gly (NM_023073.4); short protein forms E2587G.
Identifiers: ClinVar variation 1583288 (VCV001583288.13), dbSNP rs766541647, ClinGen allele CA3237955.